The following is an entry in ClinVar:

NM_000179.3(MSH6):c.3173-6T>C

Gene: MSH6 (mutS homolog 6; plus strand). Cytogenetic location: 2p16.3.
Variant type: single nucleotide variant.
Coding change: c.3173-6T>C on transcript NM_000179.3 (MANE Select); 6 bases into the intron before coding-DNA position 3173, T replaced by C.
Molecular consequence: intron variant.
Genome position (GRCh38, 1-based): chr2:47,803,414, T>C. VCF-style: chr2-47803414-T-C. GRCh37 (hg19) VCF-style: chr2-48030553-T-C.
Other names: c.2267-6T>C (NM_001406811.1, NM_001406814.1, NM_001281493.2 and 6 more transcripts); c.2876-6T>C (NM_001406805.1, NM_001406797.1, NM_001406801.1 and 10 more transcripts); c.3269-6T>C (NM_001406795.1, NM_001406802.1); c.3179-6T>C (NM_001406813.1); c.2648-6T>C (NM_001406807.1, NM_001406799.1, NM_001406806.1); c.3173-6T>C (NM_001406808.1, NM_001406800.1, NM_001406809.1 and 1 more transcripts); c.3173-180T>C (NM_001406798.1); c.2309-6T>C (NM_001406803.1); and 7 more.
Identifiers: ClinVar variation 2662263 (VCV002662263.5), dbSNP rs1669729119, ClinGen allele CA2496051764.
Genomic context (GRCh38, chr2:47,803,414, plus strand): 5'-ATAAAACACTTAGGCTGATAAAACCCCCAAACGATGAAGCCTCACTTTTACCCTCTCTTT[T>C]AACAGATGTTTTACTGTGCCTGGCTAACTATAGTCGAGGGGGTGATGGTCCTATGTGTCG-3'

ClinVar aggregate classification (germline): Conflicting classifications of pathogenicity. Review status: criteria provided, conflicting classifications (1 of 4 stars). 3 submissions from 3 submitters: Uncertain significance (1); Likely benign (2). Last evaluated 2025-10-21.

Conditions:
Hereditary nonpolyposis colorectal neoplasms. Identifiers: MedGen C0009405, MeSH D003123.
Lynch syndrome 5 (LYNCH5). Also called: Hereditary non-polyposis colorectal cancer, type 5; Colorectal cancer, hereditary nonpolyposis, type 5. Identifiers: Orphanet 144, MedGen C1833477, MONDO:0013710, OMIM 614350. Disease mechanism: loss of function.

Allele frequency attached by ClinVar (database versions not stated): TOPMed below 0.00001.

Submissions (3):

Labcorp Genetics (formerly Invitae), Labcorp
Classification: Likely benign for Hereditary nonpolyposis colorectal neoplasms. Last evaluated: 2025-10-21. Review status: criteria provided, single submitter. Criteria: Invitae Variant Classification Sherloc (09022015). Collection method: clinical testing. Allele origin: germline.

Myriad Genetics, Inc.
Classification: Likely benign for Lynch syndrome 5. Last evaluated: 2025-01-03. Review status: criteria provided, single submitter. Criteria: Myriad Autosomal Dominant, Autosomal Recessive and X-Linked Classification Criteria (2023). Collection method: clinical testing. Allele origin: unknown.
Comment: This variant is considered likely benign. This variant is intronic and is not expected to impact mRNA splicing.

GeneDx
Classification: Uncertain significance. Last evaluated: 2023-05-09. Review status: criteria provided, single submitter. Criteria: GeneDx Variant Classification Process June 2021. Collection method: clinical testing. Allele origin: germline. Affected: yes.
Comment: Not observed at significant frequency in large population cohorts (gnomAD); In silico analysis supports that this variant does not alter splicing; Has not been previously published as pathogenic or benign to our knowledge